The following is an entry in ClinVar:

ClinVar aggregate classification (germline): Uncertain significance. Review status: criteria provided, multiple submitters, no conflicts (2 of 4 stars). 2 submissions from 2 submitters: Uncertain significance (2). Last evaluated 2025-07-02.

Submissions (2):

Quest Diagnostics Nichols Institute San Juan Capistrano
Classification: Uncertain significance. Last evaluated: 2025-07-02. Review status: criteria provided, single submitter. Criteria: Quest Diagnostics criteria. Collection method: clinical testing. Allele origin: unknown.
Comment: The GALNT12 c.926C>T (p.Thr309Ile) variant has not been reported in individuals with GALNT12-related conditions in the published literature. It also has not been reported in large, multi-ethnic general populations (Genome Aggregation Database). Analysis of this variant using bioinformatics tools for the prediction of the effect of amino acid changes on protein structure and function yielded predictions that this variant is damaging. Based on the available information, we are unable to determine the clinical significance of this variant.

Ambry Genetics
Classification: Uncertain significance. Last evaluated: 2022-11-07. Review status: criteria provided, single submitter. Criteria: Ambry Variant Classification Scheme 2023. Collection method: clinical testing. Allele origin: germline.
Comment: The p.T309I variant (also known as c.926C>T), located in coding exon 5 of the GALNT12 gene, results from a C to T substitution at nucleotide position 926. The threonine at codon 309 is replaced by isoleucine, an amino acid with similar properties. This amino acid position is conserved. In addition, this alteration is predicted to be deleterious by in silico analysis. Since supporting evidence is limited at this time, the clinical significance of this alteration remains unclear.

NM_024642.5(GALNT12):c.926C>T (p.Thr309Ile)

Gene: GALNT12 (polypeptide N-acetylgalactosaminyltransferase 12; plus strand). Cytogenetic location: 9q22.33.
Variant type: single nucleotide variant.
Coding change: c.926C>T on transcript NM_024642.5 (MANE Select); coding-DNA position 926, C replaced by T.
Protein change: p.Thr309Ile; replaces threonine 309 with isoleucine.
Molecular consequence: missense variant.
Genome position (GRCh38, 1-based): chr9:98,835,257, C>T. VCF-style: chr9-98835257-C-T. GRCh37 (hg19) VCF-style: chr9-101597539-C-T.
Other names: short protein forms T309I.
Identifiers: ClinVar variation 2451759 (VCV002451759.3), dbSNP rs1836110300, ClinGen allele CA374219332.